The following is an entry in ClinVar:

ClinVar aggregate classification (germline): Uncertain significance (1 of 4 stars; one submission).

Conditions:
Perlman syndrome (PRLMNS). Identifiers: Orphanet 2849, MedGen C0796113, MONDO:0009965, OMIM 267000.

Submission:

Labcorp Genetics (formerly Invitae), Labcorp
Classification: Uncertain significance for Perlman syndrome. Last evaluated: 2021-09-05. Review status: criteria provided, single submitter. Criteria: Invitae Variant Classification Sherloc (09022015). Collection method: clinical testing. Allele origin: germline.
Comment: This variant is not present in population databases (ExAC no frequency). This sequence change falls in intron 18 of the DIS3L2 gene. It does not directly change the encoded amino acid sequence of the DIS3L2 protein. It affects a nucleotide within the consensus splice site of the intron. This variant has not been reported in the literature in individuals affected with DIS3L2-related conditions. In summary, the available evidence is currently insufficient to determine the role of this variant in disease. Therefore, it has been classified as a Variant of Uncertain Significance. Variants that disrupt the consensus splice site are a relatively common cause of aberrant splicing (PMID: 17576681, 9536098). Algorithms developed to predict the effect of sequence changes on RNA splicing suggest that this variant is not likely to affect RNA splicing.

Literature cited by the submitters: PubMed 17576681; PubMed 9536098.

NM_152383.5(DIS3L2):c.2289+6C>A

Gene: DIS3L2 (DIS3 like 3'-5' exoribonuclease 2; plus strand). Cytogenetic location: 2q37.1.
Variant type: single nucleotide variant.
Coding change: c.2289+6C>A on transcript NM_152383.5 (MANE Select); 6 bases into the intron after coding-DNA position 2289, C replaced by A.
Molecular consequence: intron variant.
Genome position (GRCh38, 1-based): chr2:232,334,505, C>A. VCF-style: chr2-232334505-C-A. GRCh37 (hg19) VCF-style: chr2-233199215-C-A.
Other names: c.1582-8840C>A (NM_001257281.2).
Identifiers: ClinVar variation 1379716 (VCV001379716.6), dbSNP rs2106354457, ClinGen allele CA2573135571.